The following is an entry in ClinVar:

ClinVar aggregate classification (germline): Likely pathogenic (1 of 4 stars; one submission).

Conditions:
Fetal anomalies with a likely genetic cause.

Submission:

Genetics Laboratory, Great Ormond Street Hospital NHS Foundation Trust, North Thames Genomic Laboratory Hub
Classification: Likely pathogenic for Fetal anomalies with a likely genetic cause. Last evaluated: 2026-09-02. Review status: criteria provided, single submitter. Criteria: ACGS Best Practice Guidelines for Variant Classification in Rare Disease 2024 v1.2. Collection method: clinical testing. Allele origin: germline. Affected: yes.
Comment: PM2_moderate, PP3_supporting, PM3_moderate, PP4_moderate

NM_017837.4(PIGV):c.905T>C (p.Leu302Pro)

Gene: PIGV (phosphatidylinositol glycan anchor biosynthesis class V; plus strand). Cytogenetic location: 1p36.11.
Variant type: single nucleotide variant.
Coding change: c.905T>C on transcript NM_017837.4 (MANE Select); coding-DNA position 905, T replaced by C.
Protein change: p.Leu302Pro; replaces leucine 302 with proline.
Molecular consequence: missense variant. On other transcripts: non-coding transcript variant (1), intron variant (1).
Genome position (GRCh38, 1-based): chr1:26,794,939, T>C. VCF-style: chr1-26794939-T-C. GRCh37 (hg19) VCF-style: chr1-27121430-T-C.
Other names: c.905T>C, p.Leu302Pro (NM_001202554.2, NM_001374478.1, NM_001374480.1 and 2 more transcripts); c.524T>C, p.Leu175Pro (NM_001374483.1); c.278T>C, p.Leu93Pro (NM_001374484.1, NM_001374485.1); c.79-2624T>C (NM_001374486.1); short protein forms L175P, L302P, L93P.
Identifiers: ClinVar variation 5038266 (VCV005038266.1).
Genomic context (GRCh38, chr1:26,794,939, plus strand): 5'-ACAAGGGCTACCGGATTGCAGAGGGAAATGAACCGCCTTGGTGCTTCTGGGATGTTCCAC[T>C]AATATACAGCTATATCCAGGATGTCTACTGGAATGTTGGCTTTTTGAAATACTATGAGCT-3'
Protein context (NP_060307.2, residues 292-312): EPPWCFWDVP[Leu302Pro]IYSYIQDVYW